The following is an entry in ClinVar:

ClinVar aggregate classification (germline): Uncertain significance (0 of 4 stars; one submission).

Conditions:
SCAPER-related disorder. Also called: SCAPER-related condition.

gnomAD v4.1: 63 of 1,613,758 alleles (0.0039%); highest among the groups gnomAD compares: Non-Finnish European, 0.0051%; no homozygotes.

Submission:

PreventionGenetics, part of Exact Sciences
Classification: Uncertain significance for SCAPER-related condition. Last evaluated: 2024-09-27. Review status: no assertion criteria provided. Collection method: clinical testing. Allele origin: germline.
Comment: The SCAPER c.3292G>A variant is predicted to result in the amino acid substitution p.Gly1098Ser. To our knowledge, this variant has not been reported in the literature. This variant is reported in 0.0018% of alleles in individuals of European (Non-Finnish) descent in gnomAD. A different substitution affecting the same amino acid (p.Gly1098Gln) has been reported in a patient with Bardet-Biedl syndrome (Khan et al. 2023. PubMed ID: 37293956).  At this time, the clinical significance of this variant is uncertain due to the absence of conclusive functional and genetic evidence.

NM_020843.4(SCAPER):c.3274G>A (p.Gly1092Ser)

Genes: SCAPER (S-phase cyclin A associated protein in the ER; minus strand), LOC126862183 (BRD4-independent group 4 enhancer GRCh37_chr15:76726060-76727259; plus strand). Cytogenetic location: 15q24.3.
Variant type: single nucleotide variant.
Coding change: c.3274G>A on transcript NM_020843.4 (MANE Select); coding-DNA position 3274, G replaced by A.
Protein change: p.Gly1092Ser; replaces glycine 1092 with serine.
Molecular consequence: missense variant. On other transcripts: non-coding transcript variant (1).
Genome position (GRCh38, 1-based): chr15:76,434,115, C>T on the plus strand (G>A on the coding strand, the complement: SCAPER is on the minus strand). VCF-style: chr15-76434115-C-T. GRCh37 (hg19) VCF-style: chr15-76726456-C-T.
Other names: c.2536G>A, p.Gly846Ser (NM_001145923.2); c.3292G>A, p.Gly1098Ser (NM_001353009.2); c.2872G>A, p.Gly958Ser (NM_001353010.2, NM_001353012.2); c.2890G>A, p.Gly964Ser (NM_001353011.2); short protein forms G1092S, G1098S, G846S, G958S, G964S.
Identifiers: ClinVar variation 3358420 (VCV003358420.1).
Genomic context (GRCh38, chr15:76,434,115, plus strand): 5'-TTTAAGAACTCTAGCAATTTTACCTGATAAGGTCCTGAACTCGATTGTTAAAAGGATCAC[C>T]TTGTGAGGGTTTGTTTTTCATTTCCTGTGTTGGTATTTTTGGGGTAGCTGGCTGGCAGTT-3'
Protein context (NP_065894.2, residues 1082-1102): TQEMKNKPSQ[Gly1092Ser]DPFNNRVQDL